The following is an entry in ClinVar:

ClinVar aggregate classification (germline): Pathogenic/Likely pathogenic. Review status: criteria provided, multiple submitters, no conflicts (2 of 4 stars). 4 submissions from 4 submitters: Pathogenic (1); Likely pathogenic (3). Last evaluated 2025-03-31.

Conditions:
Retinitis pigmentosa 39 (RP39). Identifiers: Orphanet 791, MedGen C3151138, MONDO:0013436, OMIM 613809.
Usher syndrome type 2A. Also called: RETINAL DISEASE IN USHER SYNDROME TYPE IIA, MODIFIER OF; USHER SYNDROME, TYPE IIA. Identifiers: Orphanet 231178, Orphanet 886, MedGen C1848634, MONDO:0010169, OMIM 276901.

Submissions (4):

Natera, Inc.
Classification: Likely pathogenic for Usher syndrome type 2A. Last evaluated: 2025-03-31. Review status: criteria provided, single submitter. Criteria: Natera Variant Classification Schema (03/2026). Collection method: clinical testing. Allele origin: germline.
Comment: The c.3828T>G variant in USH2A is a nonsense variant predicted to introduce a stop codon at amino acid 1276. This variant is expected to result in nonsense mediated decay, truncation, or a dysfunctional protein product. This variant is rare in the general population with a frequency below the threshold expected for the associated phenotype(s). Given the available evidence, this variant is classified as Likely Pathogenic.

Genome-Nilou Lab
Classification: Likely pathogenic for Retinitis pigmentosa 39. Last evaluated: 2023-11-04. Review status: criteria provided, single submitter. Criteria: ACMG Guidelines, 2015. Collection method: clinical testing. Allele origin: germline. Affected: no.

Labcorp Genetics (formerly Invitae), Labcorp
Classification: Pathogenic. Last evaluated: 2021-10-21. Review status: criteria provided, single submitter. Criteria: Invitae Variant Classification Sherloc (09022015). Collection method: clinical testing. Allele origin: germline.
Comment: For these reasons, this variant has been classified as Pathogenic. ClinVar contains an entry for this variant (Variation ID: 1065666). This variant has not been reported in the literature in individuals affected with USH2A-related conditions. This variant is not present in population databases (ExAC no frequency). This sequence change creates a premature translational stop signal (p.Tyr1276*) in the USH2A gene. It is expected to result in an absent or disrupted protein product. Loss-of-function variants in USH2A are known to be pathogenic (PMID: 10729113, 10909849, 20507924, 25649381).

Ocular Genomics Institute, Massachusetts Eye and Ear
Classification: Likely pathogenic for Retinitis pigmentosa 39. Last evaluated: 2021-04-08. Review status: criteria provided, single submitter. Criteria: ACMG Guidelines, 2015. Collection method: research. Allele origin: germline. Affected: yes.
Comment: Through a review of available evidence we were able to apply the following criteria: PVS1, PM2. Based on this evidence we have classified this variant as Likely Pathogenic.

Literature cited by the submitters: PubMed 10729113 (cited by Labcorp Genetics (formerly Invitae), Labcorp); PubMed 10909849 (cited by Labcorp Genetics (formerly Invitae), Labcorp); PubMed 20507924 (cited by Labcorp Genetics (formerly Invitae), Labcorp); PubMed 25649381 (cited by Labcorp Genetics (formerly Invitae), Labcorp).

NM_206933.4(USH2A):c.3828T>G (p.Tyr1276Ter)

Genes: USH2A (usherin; minus strand), USH2A-AS1 (USH2A antisense RNA 1; plus strand). Cytogenetic location: 1q41.
Variant type: single nucleotide variant.
Coding change: c.3828T>G on transcript NM_206933.4 (MANE Select); coding-DNA position 3828, T replaced by G.
Protein change: p.Tyr1276Ter; replaces tyrosine 1276 with a stop codon.
Molecular consequence: nonsense.
Genome position (GRCh38, 1-based): chr1:216,198,568, A>C on the plus strand (T>G on the coding strand, the complement: USH2A is on the minus strand). VCF-style: chr1-216198568-A-C. GRCh37 (hg19) VCF-style: chr1-216371910-A-C.
Other names: c.3828T>G, p.Tyr1276Ter (NM_007123.6); short protein forms Y1276*.
Identifiers: ClinVar variation 1065666 (VCV001065666.9), dbSNP rs2034908815, ClinGen allele CA344867382.
Genomic context (GRCh38, chr1:216,198,568, plus strand): 5'-AACTCGACTTTCCTCAGATGTGGTTTCTTTAGTAGATCTCAGTCTTCTCATGTATAGTTC[A>C]TATCTTATAATTATTCCTAGAGAAATTAAATAGTGAACCTACGTAACTCATCAGACAAAG-3'